The following is an entry in ClinVar:

NM_005585.5(SMAD6):c.747C>G (p.Ser249Arg)

Gene: SMAD6 (SMAD family member 6; plus strand). Cytogenetic location: 15q22.31.
Variant type: single nucleotide variant.
Coding change: c.747C>G on transcript NM_005585.5 (MANE Select); coding-DNA position 747, C replaced by G.
Protein change: p.Ser249Arg; replaces serine 249 with arginine.
Molecular consequence: missense variant. On other transcripts: non-coding transcript variant (1).
Genome position (GRCh38, 1-based): chr15:66,704,005, C>G. VCF-style: chr15-66704005-C-G. GRCh37 (hg19) VCF-style: chr15-66996343-C-G.
Other names: short protein forms S249R.
Identifiers: ClinVar variation 2757943 (VCV002757943.3), dbSNP rs769678314, ClinGen allele CA392950165.
Genomic context (GRCh38, chr15:66,704,005, plus strand): 5'-CTTTCGCTGGCCCGACCTGCAGCACGCCGTGGAGCTGAAGCCCCTGTGCGGCTGCCACAG[C>G]TTCGCCGCCGCCGCCGACGGCCCTACCGTGTGCTGCAACCCCTACCACTTCAGCCGGCTC-3'
Protein context (NP_005576.3, residues 239-259): VELKPLCGCH[Ser249Arg]FAAAADGPTV

ClinVar aggregate classification (germline): Uncertain significance (1 of 4 stars; one submission).

Conditions:
Aortic valve disease 2 (AOVD2). Identifiers: MedGen C3542024, MONDO:0013902, OMIM 614823.

gnomAD v4.1: 2 of 1,495,116 alleles (0.00013%); highest among the groups gnomAD compares: Non-Finnish European, 0.00018%; no homozygotes.

Submission:

Labcorp Genetics (formerly Invitae), Labcorp
Classification: Uncertain significance for Aortic valve disease 2. Last evaluated: 2024-07-31. Review status: criteria provided, single submitter. Criteria: Invitae Variant Classification Sherloc (09022015). Collection method: clinical testing. Allele origin: germline.
Comment: This sequence change replaces serine, which is neutral and polar, with arginine, which is basic and polar, at codon 249 of the SMAD6 protein (p.Ser249Arg). This variant is not present in population databases (gnomAD no frequency). This variant has not been reported in the literature in individuals affected with SMAD6-related conditions. An algorithm developed to predict the effect of missense changes on protein structure and function (PolyPhen-2) suggests that this variant is likely to be tolerated. In summary, the available evidence is currently insufficient to determine the role of this variant in disease. Therefore, it has been classified as a Variant of Uncertain Significance.